The following is an entry in ClinVar:

ClinVar aggregate classification (germline): Uncertain significance (1 of 4 stars; one submission).

Submission:

GeneDx
Classification: Uncertain significance. Last evaluated: 2017-08-11. Review status: criteria provided, single submitter. Criteria: GeneDx Variant Classification (06012015). Collection method: clinical testing. Allele origin: germline. Affected: yes.
Comment: The R1142G variant in the POLG gene has not been reported previously as a pathogenic variant, nor as a benign variant, to our knowledge. The R1142G variant is not observed in large population cohorts (Lek et al., 2016; 1000 Genomes Consortium et al., 2015; Exome Variant Server). The R1142G variant is a non-conservative amino acid substitution, which is likely to impact secondary protein structure as these residues differ in polarity, charge, size and/or other properties. This substitution occurs at a position that is not conserved. In silico analysis is inconsistent in its predictions as to whether or not the variant is damaging to the protein structure/function. We interpret R1142G as a variant of uncertain significance.

NM_002693.3(POLG):c.3424C>G (p.Arg1142Gly)

Genes: POLG (DNA polymerase gamma, catalytic subunit; minus strand), POLGARF (POLG alternative reading frame; minus strand). Cytogenetic location: 15q26.1.
Variant type: single nucleotide variant.
Coding change: c.3424C>G on transcript NM_002693.3 (MANE Select); coding-DNA position 3424, C replaced by G.
Protein change: p.Arg1142Gly; replaces arginine 1142 with glycine.
Molecular consequence: missense variant.
Genome position (GRCh38, 1-based): chr15:89,318,599, G>C on the plus strand (C>G on the coding strand, the complement: POLG is on the minus strand). VCF-style: chr15-89318599-G-C. GRCh37 (hg19) VCF-style: chr15-89861830-G-C.
Other names: c.3424C>G, p.Arg1142Gly (NM_001126131.2); short protein forms R1142G.
Identifiers: ClinVar variation 451063 (VCV000451063.2), dbSNP rs2307442, ClinGen allele CA393749760.